The following is an entry in ClinVar:

ClinVar aggregate classification (germline): Likely benign. Review status: criteria provided, multiple submitters, no conflicts (2 of 4 stars). 2 submissions from 2 submitters: Likely benign (2). Last evaluated 2023-08-01.

Allele frequency attached by ClinVar (database versions not stated): ExAC 0.00002; TOPMed 0.00002; gnomAD 0.00004; gnomAD exomes 0.00005.
gnomAD v4.1: 56 of 1,206,916 alleles (0.0046%); highest among the groups gnomAD compares: Non-Finnish European, 0.0058%; no homozygotes.

Submissions (2):

CeGaT Center for Human Genetics Tuebingen
Classification: Likely benign. Last evaluated: 2023-08-01. Review status: criteria provided, single submitter. Criteria: CeGaT Center For Human Genetics Tuebingen Variant Classification Criteria Version 2. Collection method: clinical testing. Allele origin: germline. Affected: yes. Observed: 1 variant allele.
Comment: POLA1: BP4, BS2

Labcorp Genetics (formerly Invitae), Labcorp
Classification: Likely benign. Last evaluated: 2022-09-12. Review status: criteria provided, single submitter. Criteria: Invitae Variant Classification Sherloc (09022015). Collection method: clinical testing. Allele origin: germline.

NM_001330360.2(POLA1):c.923C>T (p.Pro308Leu)

Gene: POLA1 (DNA polymerase alpha 1, catalytic subunit; plus strand). Cytogenetic location: Xp22.11.
Variant type: single nucleotide variant.
Coding change: c.923C>T on transcript NM_001330360.2 (MANE Select); coding-DNA position 923, C replaced by T.
Protein change: p.Pro308Leu; replaces proline 308 with leucine.
Molecular consequence: missense variant. On other transcripts: non-coding transcript variant (2).
Genome position (GRCh38, 1-based): chrX:24,717,594, C>T. VCF-style: chrX-24717594-C-T. GRCh37 (hg19) VCF-style: chrX-24735711-C-T.
Other names: c.923C>T, p.Pro308Leu (NM_001378303.1); c.905C>T, p.Pro302Leu (NM_016937.4); short protein forms P302L, P308L.
Identifiers: ClinVar variation 2166381 (VCV002166381.28), dbSNP rs781625739, ClinGen allele CA10372878.